The following is an entry in ClinVar:

NM_005186.4(CAPN1):c.1016G>A (p.Arg339Gln)

Gene: CAPN1 (calpain 1; plus strand). Cytogenetic location: 11q13.1.
Variant type: single nucleotide variant.
Coding change: c.1016G>A on transcript NM_005186.4 (MANE Select); coding-DNA position 1016, G replaced by A.
Protein change: p.Arg339Gln; replaces arginine 339 with glutamine.
Molecular consequence: missense variant. On other transcripts: non-coding transcript variant (1).
Genome position (GRCh38, 1-based): chr11:65,188,597, G>A. VCF-style: chr11-65188597-G-A. GRCh37 (hg19) VCF-style: chr11-64956068-G-A.
Other names: c.1016G>A, p.Arg339Gln (NM_001198868.2, NM_001198869.2); c.854G>A, p.Arg285Gln (NM_001198870.1); short protein forms R285Q, R339Q.
Identifiers: ClinVar variation 1904099 (VCV001904099.3), dbSNP rs768652265, ClinGen allele CA6093270.

ClinVar aggregate classification (germline): Uncertain significance. Review status: criteria provided, multiple submitters, no conflicts (2 of 4 stars). 2 submissions from 2 submitters: Uncertain significance (2). Last evaluated 2023-06-12.

Allele frequency attached by ClinVar (database versions not stated): ExAC 0.00002; gnomAD 0.00003; gnomAD exomes 0.00003; TOPMed 0.00003.
gnomAD v4.1: 54 of 1,613,826 alleles (0.0033%); highest among the groups gnomAD compares: Non-Finnish European, 0.0043%; no homozygotes.

Submissions (2):

Blueprint Genetics
Classification: Uncertain significance. Last evaluated: 2023-06-12. Review status: criteria provided, single submitter. Criteria: ACMG Guidelines, 2015. Collection method: clinical testing. Allele origin: germline.

Labcorp Genetics (formerly Invitae), Labcorp
Classification: Uncertain significance. Last evaluated: 2022-08-16. Review status: criteria provided, single submitter. Criteria: Invitae Variant Classification Sherloc (09022015). Collection method: clinical testing. Allele origin: germline.
Comment: This sequence change replaces arginine, which is basic and polar, with glutamine, which is neutral and polar, at codon 339 of the CAPN1 protein (p.Arg339Gln). This variant is present in population databases (rs768652265, gnomAD 0.005%). This variant has not been reported in the literature in individuals affected with CAPN1-related conditions. Algorithms developed to predict the effect of missense changes on protein structure and function output the following: SIFT: "Tolerated"; PolyPhen-2: "Benign"; Align-GVGD: "Class C0". The glutamine amino acid residue is found in multiple mammalian species, which suggests that this missense change does not adversely affect protein function. In summary, the available evidence is currently insufficient to determine the role of this variant in disease. Therefore, it has been classified as a Variant of Uncertain Significance.